The following is an entry in ClinVar:

NM_001376.5(DYNC1H1):c.12509G>A (p.Cys4170Tyr)

Gene: DYNC1H1 (dynein cytoplasmic 1 heavy chain 1; plus strand). Cytogenetic location: 14q32.31.
Variant type: single nucleotide variant.
Coding change: c.12509G>A on transcript NM_001376.5 (MANE Select); coding-DNA position 12509, G replaced by A.
Protein change: p.Cys4170Tyr; replaces cysteine 4170 with tyrosine.
Molecular consequence: missense variant.
Genome position (GRCh38, 1-based): chr14:102,042,744, G>A. VCF-style: chr14-102042744-G-A. GRCh37 (hg19) VCF-style: chr14-102509081-G-A.
Other names: short protein forms C4170Y.
Identifiers: ClinVar variation 1924962 (VCV001924962.5), dbSNP rs2503860328, ClinGen allele CA391041758.

ClinVar aggregate classification (germline): Uncertain significance (1 of 4 stars; one submission).

Conditions:
Charcot-Marie-Tooth disease axonal type 2O. Also called: Charcot-Marie-Tooth disease, axonal, type 20; CHARCOT-MARIE-TOOTH NEUROPATHY, AXONAL, TYPE 2O; CHARCOT-MARIE-TOOTH DISEASE, AXONAL, AUTOSOMAL DOMINANT, TYPE 2O; Charcot-Marie-Tooth Neuropathy Type 2O. Identifiers: Orphanet 284232, MedGen C3280220, MONDO:0013644, OMIM 614228.

Submission:

Labcorp Genetics (formerly Invitae), Labcorp
Classification: Uncertain significance for Charcot-Marie-Tooth disease axonal type 2O. Last evaluated: 2022-08-04. Review status: criteria provided, single submitter. Criteria: Invitae Variant Classification Sherloc (09022015). Collection method: clinical testing. Allele origin: germline.
Comment: In summary, the available evidence is currently insufficient to determine the role of this variant in disease. Therefore, it has been classified as a Variant of Uncertain Significance. Advanced modeling of protein sequence and biophysical properties (such as structural, functional, and spatial information, amino acid conservation, physicochemical variation, residue mobility, and thermodynamic stability) performed at Invitae indicates that this missense variant is not expected to disrupt DYNC1H1 protein function. This variant has not been reported in the literature in individuals affected with DYNC1H1-related conditions. This variant is not present in population databases (gnomAD no frequency). This sequence change replaces cysteine, which is neutral and slightly polar, with tyrosine, which is neutral and polar, at codon 4170 of the DYNC1H1 protein (p.Cys4170Tyr).